The following is an entry in ClinVar:

NM_003793.4(CTSF):c.594T>A (p.Tyr198Ter)

Gene: CTSF (cathepsin F; minus strand). Cytogenetic location: 11q13.2.
Variant type: single nucleotide variant.
Coding change: c.594T>A on transcript NM_003793.4 (MANE Select); coding-DNA position 594, T replaced by A.
Protein change: p.Tyr198Ter; replaces tyrosine 198 with a stop codon.
Molecular consequence: nonsense.
Genome position (GRCh38, 1-based): chr11:66,567,259, A>T on the plus strand (T>A on the coding strand, the complement: CTSF is on the minus strand). VCF-style: chr11-66567259-A-T. GRCh37 (hg19) VCF-style: chr11-66334730-A-T.
Other names: short protein forms Y198*.
Identifiers: ClinVar variation 2417211 (VCV002417211.8), dbSNP rs758004789, ClinGen allele CA381465632.

ClinVar aggregate classification (germline): Pathogenic (1 of 4 stars; one submission).

Conditions:
Neuronal ceroid lipofuscinosis 13 (CLN13). Also called: CLN13 Disease; CEROID LIPOFUSCINOSIS, NEURONAL, 13 (KUFS TYPE). Identifiers: Orphanet 352709, Orphanet 79262, MedGen C3715049, MONDO:0014147, OMIM 615362.

gnomAD v4.1: 3 of 1,614,158 alleles (0.00019%); highest among the groups gnomAD compares: Admixed American, 0.0017%; no homozygotes.

Submission:

Labcorp Genetics (formerly Invitae), Labcorp
Classification: Pathogenic for Neuronal ceroid lipofuscinosis 13. Last evaluated: 2023-08-04. Review status: criteria provided, single submitter. Criteria: Invitae Variant Classification Sherloc (09022015). Collection method: clinical testing. Allele origin: germline.
Comment: For these reasons, this variant has been classified as Pathogenic. ClinVar contains an entry for this variant (Variation ID: 2417211). This variant has not been reported in the literature in individuals affected with CTSF-related conditions. This variant is not present in population databases (gnomAD no frequency). This sequence change creates a premature translational stop signal (p.Tyr198*) in the CTSF gene. It is expected to result in an absent or disrupted protein product. Loss-of-function variants in CTSF are known to be pathogenic (PMID: 23297359, 25274848).

Literature cited by the submitters: PubMed 23297359; PubMed 25274848.